The following is an entry in ClinVar:

NM_020937.4(FANCM):c.3394G>A (p.Glu1132Lys)

Gene: FANCM (FA complementation group M; plus strand). Cytogenetic location: 14q21.2.
Variant type: single nucleotide variant.
Coding change: c.3394G>A on transcript NM_020937.4 (MANE Select); coding-DNA position 3394, G replaced by A.
Protein change: p.Glu1132Lys; replaces glutamic acid 1132 with lysine.
Molecular consequence: missense variant.
Genome position (GRCh38, 1-based): chr14:45,176,148, G>A. VCF-style: chr14-45176148-G-A. GRCh37 (hg19) VCF-style: chr14-45645351-G-A.
Other names: c.3316G>A, p.Glu1106Lys (NM_001308133.2); short protein forms E1132K, E1106K.
Identifiers: ClinVar variation 2901776 (VCV002901776.4), dbSNP rs1162918001, ClinGen allele CA389601345.

ClinVar aggregate classification (germline): Uncertain significance. Review status: criteria provided, multiple submitters, no conflicts (2 of 4 stars). 2 submissions from 2 submitters: Uncertain significance (2). Last evaluated 2025-01-09.

Conditions:
Inborn genetic diseases. Identifiers: MedGen C0950123, MeSH D030342.
Fanconi anemia (FA). Also called: Fanconi's anemia. Identifiers: Orphanet 84, MedGen C0015625, MeSH D005199, MONDO:0019391.

gnomAD v4.1: 1 of 1,614,064 alleles (0.000062%); highest among the groups gnomAD compares: Non-Finnish European, 0.000085%; no homozygotes.

Submissions (2):

Ambry Genetics
Classification: Uncertain significance for Inborn genetic diseases. Last evaluated: 2025-01-09. Review status: criteria provided, single submitter. Criteria: Ambry Variant Classification Scheme 2023. Collection method: clinical testing. Allele origin: germline.
Comment: The p.E1132K variant (also known as c.3394G>A), located in coding exon 14 of the FANCM gene, results from a G to A substitution at nucleotide position 3394. The glutamic acid at codon 1132 is replaced by lysine, an amino acid with similar properties. This amino acid position is conserved. In addition, this alteration is predicted to be tolerated by in silico analysis. Based on the available evidence, the clinical significance of this variant remains unclear.

Labcorp Genetics (formerly Invitae), Labcorp
Classification: Uncertain significance for Fanconi anemia. Last evaluated: 2023-07-26. Review status: criteria provided, single submitter. Criteria: Invitae Variant Classification Sherloc (09022015). Collection method: clinical testing. Allele origin: germline.
Comment: This sequence change replaces glutamic acid, which is acidic and polar, with lysine, which is basic and polar, at codon 1132 of the FANCM protein (p.Glu1132Lys). This variant is not present in population databases (gnomAD no frequency). This variant has not been reported in the literature in individuals affected with FANCM-related conditions. An algorithm developed to predict the effect of missense changes on protein structure and function (PolyPhen-2) suggests that this variant is likely to be tolerated. In summary, the available evidence is currently insufficient to determine the role of this variant in disease. Therefore, it has been classified as a Variant of Uncertain Significance.